The following is an entry in ClinVar:

ClinVar aggregate classification (germline): Uncertain significance (1 of 4 stars; one submission).

Conditions:
Developmental and epileptic encephalopathy, 79. Also called: EPILEPTIC ENCEPHALOPATHY, EARLY INFANTILE, 79. Identifiers: MedGen C5231410, MONDO:0032813, OMIM 618559.

Submission:

Dasa
Classification: Uncertain significance for Developmental and epileptic encephalopathy, 79. Last evaluated: 2025-03-14. Review status: criteria provided, single submitter. Criteria: DASA Assertion Criteria. Collection method: clinical testing. Allele origin: germline.
Comment: NM_000810.4(GABRA5):c.1089+6_1089+9del is a splice-region variant predicted to affect normal RNA splicing. Published studies describe this variant in association with related phenotype (PMID: 29961870). Also, this variant is rare in population databases. Computational prediction algorithms are consistent with a deleterious effect. The currently available literature and clinical evidence are not sufficient to establish a definitive association between this variant and the reported condition. Therefore, this variant is classified as a variant of uncertain significance.

Literature cited by the submitters: PubMed 29961870.

NM_000810.4(GABRA5):c.1089+6_1089+9del

Gene: GABRA5 (gamma-aminobutyric acid type A receptor subunit alpha5; plus strand). Cytogenetic location: 15q12.
Variant type: Deletion.
Coding change: c.1089+6_1089+9del on transcript NM_000810.4 (MANE Select); bases 6 to 9 of the intron after coding-DNA position 1089, 4 bases deleted (GACT; older notation c.1089+6_1089+9delGACT).
Molecular consequence: intron variant.
Genome position (GRCh38, 1-based): chr15:26,943,432-26,943,435, GACT deleted; deleting any 4 consecutive bases within chr15:26,943,429-26,943,435 gives the same sequence; the c. name uses the placement nearest the transcript's 3' end. VCF-style (leftmost placement, unchanged base first): chr15-26943428-TACTG-T. GRCh37 (hg19) VCF-style: chr15-27188575-TACTG-T.
Other names: c.1089+6_1089+9del (NM_001165037.2).
Identifiers: ClinVar variation 4884074 (VCV004884074.2).